The following is an entry in ClinVar:

ClinVar aggregate classification (germline): Uncertain significance (1 of 4 stars; one submission).

Submission:

GeneDx
Classification: Uncertain significance. Last evaluated: 2023-11-03. Review status: criteria provided, single submitter. Criteria: GeneDx Variant Classification Process June 2021. Collection method: clinical testing. Allele origin: germline. Affected: yes.
Comment: Not observed at significant frequency in large population cohorts (gnomAD); In silico analysis supports that this missense variant has a deleterious effect on protein structure/function; Has not been previously published as pathogenic or benign to our knowledge; Variants in candidate genes are classified as variants of uncertain significance in accordance with ACMG guidelines (PMID: 25741868)

NM_001079843.3(CASZ1):c.1850G>A (p.Cys617Tyr)

Gene: CASZ1 (castor zinc finger 1; minus strand). Cytogenetic location: 1p36.22.
Variant type: single nucleotide variant.
Coding change: c.1850G>A on transcript NM_001079843.3 (MANE Select); coding-DNA position 1850, G replaced by A.
Protein change: p.Cys617Tyr; replaces cysteine 617 with tyrosine.
Molecular consequence: missense variant.
Genome position (GRCh38, 1-based): chr1:10,654,207, C>T on the plus strand (G>A on the coding strand, the complement: CASZ1 is on the minus strand). VCF-style: chr1-10654207-C-T. GRCh37 (hg19) VCF-style: chr1-10714264-C-T.
Other names: c.1850G>A, p.Cys617Tyr (NM_017766.5); short protein forms C617Y.
Identifiers: ClinVar variation 3363868 (VCV003363868.1).